The following is an entry in ClinVar:

NR_001566.3(TERC):n.52_55delCTAA

Genes: TERC (telomerase RNA component; minus strand), LOC110806306 (telomerase RNA component (TERC) promoter; plus strand). Cytogenetic location: 3q26.2.
Variant type: Deletion.
Genome position: GRCh38 VCF-style: chr3-169765003-CAGTT-C. GRCh37 (hg19) VCF-style: chr3-169482791-CAGTT-C.
Other names: NR_001566.1:r.52_55delcuaa.
Identifiers: ClinVar variation 30265 (VCV000030265.13), dbSNP rs199422263, ClinGen allele CA342730.

ClinVar aggregate classification (germline): Pathogenic. Review status: criteria provided, multiple submitters, no conflicts (2 of 4 stars). 4 submissions from 4 submitters: Pathogenic (2). 2 of the submissions do not count toward it. Last evaluated 2023-02-24.

Conditions:
Dyskeratosis congenita, autosomal dominant 1 (DKCA1). Also called: Dyskeratosis congenita Scoggins type. Identifiers: Orphanet 1775, MedGen C4551974, MONDO:0007485, OMIM 127550. Inheritance: Variable.

Submissions (4):

Mayo Clinic Laboratories, Mayo Clinic
Classification: Pathogenic. Last evaluated: 2023-02-24. Review status: criteria provided, single submitter. Criteria: ACMG Guidelines, 2015. Collection method: clinical testing. Allele origin: germline. Observed: 1 variant allele.
Comment: PP4, PM1, PM2_supporting, PS3, PS4_moderate

Labcorp Genetics (formerly Invitae), Labcorp
Classification: Pathogenic for Dyskeratosis congenita, autosomal dominant 1. Last evaluated: 2020-08-03. Review status: criteria provided, single submitter. Criteria: Invitae Variant Classification Sherloc (09022015). Collection method: clinical testing. Allele origin: germline.
Comment: For these reasons, this variant has been classified as Pathogenic. This variant is located within the template/pseudoknot domain of the TERC RNA component, which is required for RNA or RNP stability (PMID: 15082312, 21844345). Functional studies testing the effect of this variant on TERC secondary structure or function have not been reported. This variant has been observed in individual(s) with dyskeratosis congenita (DC) and with clinical features of DC (PMID: 22341970, 16332973, Invitae). It has also been observed to segregate with disease in related individuals. ClinVar contains an entry for this variant (Variation ID: 30265). This variant is not present in population databases (ExAC no frequency). This variant occurs in the TERC gene, which encodes an RNA molecule that does not result in a protein product.

GeneReviews
Classification: Pathogenic for Dyskeratosis Congenita. Last evaluated: 2012-05-10. Review status: no assertion criteria provided. Collection method: curation. Allele origin: unknown. Not counted in ClinVar's aggregate classification.
ClinVar note: Converted during submission from pathologic to Pathogenic.

OMIM
Classification: Pathogenic for DYSKERATOSIS CONGENITA, AUTOSOMAL DOMINANT 1. Last evaluated: 2012-03-09. Review status: no assertion criteria provided. Collection method: literature only. Allele origin: unknown. Not counted in ClinVar's aggregate classification.

Literature cited by the submitters: PubMed 10721988 (cited by Mayo Clinic Laboratories, Mayo Clinic); PubMed 16332973 (cited by Mayo Clinic Laboratories, Mayo Clinic and Labcorp Genetics (formerly Invitae), Labcorp); PubMed 16990594 (cited by Mayo Clinic Laboratories, Mayo Clinic); PubMed 18710936 (cited by Mayo Clinic Laboratories, Mayo Clinic); PubMed 22341970 (cited by 3 submitters); PubMed 26503788 (cited by Mayo Clinic Laboratories, Mayo Clinic); PubMed 32875693 (cited by Mayo Clinic Laboratories, Mayo Clinic); PubMed 15082312 (cited by Labcorp Genetics (formerly Invitae), Labcorp); PubMed 21844345 (cited by Labcorp Genetics (formerly Invitae), Labcorp).